The following is an entry in ClinVar:

NM_181675.4(PPP2R2B):c.540T>A (p.Ser180=)

Gene: PPP2R2B (protein phosphatase 2 regulatory subunit Bbeta; minus strand). Cytogenetic location: 5q32.
Variant type: single nucleotide variant.
Coding change: c.540T>A on transcript NM_181675.4 (MANE Select); coding-DNA position 540, T replaced by A.
Protein change: p.Ser180=; no amino-acid change (serine 180 retained).
Molecular consequence: synonymous variant.
Genome position (GRCh38, 1-based): chr5:146,650,632, A>T on the plus strand (T>A on the coding strand, the complement: PPP2R2B is on the minus strand). VCF-style: chr5-146650632-A-T. GRCh37 (hg19) VCF-style: chr5-146030195-A-T.
Other names: c.558T>A, p.Ser186= (NM_001271899.1); c.714T>A, p.Ser238= (NM_001271900.2); c.507T>A, p.Ser169= (NM_001271948.2, NM_181678.2); c.540T>A, p.Ser180= (NM_001428277.1, NM_001428279.1); c.738T>A, p.Ser246= (NM_181674.3); c.549T>A, p.Ser183= (NM_181676.3); c.480T>A, p.Ser160= (NM_181677.2).
Identifiers: ClinVar variation 5038586 (VCV005038586.1).

ClinVar aggregate classification (germline): Likely benign (1 of 4 stars; one submission).

gnomAD v4.1: 130 of 1,614,014 alleles (0.0081%); highest among the groups gnomAD compares: Admixed American, 0.015%; no homozygotes.

Submission:

CeGaT Center for Human Genetics Tuebingen
Classification: Likely benign. Last evaluated: 2026-07-01. Review status: criteria provided, single submitter. Criteria: CeGaT Center For Human Genetics Tuebingen Variant Classification Criteria Version 2. Collection method: clinical testing. Allele origin: germline. Affected: yes. Observed: 1 variant allele.
Comment: PPP2R2B: BP4, BP7